The following is an entry in ClinVar:

NM_000548.5(TSC2):c.1384C>T (p.Arg462Cys)

Gene: TSC2 (TSC complex subunit 2; plus strand). Cytogenetic location: 16p13.3.
Variant type: single nucleotide variant.
Coding change: c.1384C>T on transcript NM_000548.5 (MANE Select); coding-DNA position 1384, C replaced by T.
Protein change: p.Arg462Cys; replaces arginine 462 with cysteine.
Molecular consequence: missense variant.
Genome position (GRCh38, 1-based): chr16:2,062,994, C>T. VCF-style: chr16-2062994-C-T. GRCh37 (hg19) VCF-style: chr16-2112995-C-T.
Other names: c.1384C>T, p.Arg462Cys (NM_001077183.3, NM_001114382.3, NM_001363528.2 and 3 more transcripts); c.1273C>T, p.Arg425Cys (NM_001318827.2); c.1237C>T, p.Arg413Cys (NM_001318829.2); c.784C>T, p.Arg262Cys (NM_001318831.2); c.1417C>T, p.Arg473Cys (NM_001318832.2); short protein forms R462C, R413C, R425C, R473C, R262C.
Identifiers: ClinVar variation 65350 (VCV000065350.19), dbSNP rs397515261, ClinGen allele CA014666.

ClinVar aggregate classification (germline): Conflicting classifications of pathogenicity. Review status: criteria provided, conflicting classifications (1 of 4 stars). 6 submissions from 6 submitters: Uncertain significance (4); Likely benign (1). 1 of the submissions does not count toward it. Last evaluated 2025-12-01.

Conditions:
Hereditary cancer-predisposing syndrome. Also called: Hereditary Cancer Syndrome; Tumor predisposition; Neoplastic Syndromes, Hereditary; Hereditary neoplastic syndrome. Identifiers: Orphanet 140162, MedGen C0027672, MeSH D009386, MONDO:0015356.
Tuberous sclerosis syndrome (TSC). Also called: Tuberous Sclerosis Complex; Tuberous sclerosis. Identifiers: Orphanet 805, MedGen C0041341, MONDO:0001734.
Tuberous sclerosis 2 (TSC2). Identifiers: Orphanet 805, MedGen C1860707, MONDO:0013199, OMIM 613254.

Allele frequency attached by ClinVar (database versions not stated): TOPMed below 0.00001; gnomAD exomes 0.00001.
gnomAD v4.1: 11 of 1,551,200 alleles (0.00071%); highest among the groups gnomAD compares: Middle Eastern, 0.017%; no homozygotes.

Submissions (6):

CeGaT Center for Human Genetics Tuebingen
Classification: Likely benign. Last evaluated: 2025-12-01. Review status: criteria provided, single submitter. Criteria: CeGaT Center For Human Genetics Tuebingen Variant Classification Criteria Version 2. Collection method: clinical testing. Allele origin: germline. Affected: yes. Observed: 1 variant allele.
Comment: TSC2: PP3, PS3:Supporting, BS2

Labcorp Genetics (formerly Invitae), Labcorp
Classification: Uncertain significance for Tuberous sclerosis 2. Last evaluated: 2025-10-15. Review status: criteria provided, single submitter. Criteria: Invitae Variant Classification Sherloc (09022015). Collection method: clinical testing. Allele origin: germline.
Comment: This sequence change replaces arginine, which is basic and polar, with cysteine, which is neutral and slightly polar, at codon 462 of the TSC2 protein (p.Arg462Cys). This variant is not present in population databases (gnomAD no frequency). This missense change has been observed in individual(s) with tuberous sclerosis (PMID: 21520333, 22903760). In at least one individual the variant was observed to be de novo. Invitae Evidence Modeling of clinical and family history, age, sex, and reported ancestry of multiple individuals with this TSC2 variant has been performed. This variant is expected to be benign with a negative predictive value of at least 95%. This is a validated machine learning model that incorporates the clinical features of 1,224,362 individuals referred to our laboratory for TSC2 testing. ClinVar contains an entry for this variant (Variation ID: 65350). Invitae Evidence Modeling of protein sequence and biophysical properties (such as structural, functional, and spatial information, amino acid conservation, physicochemical variation, residue mobility, and thermodynamic stability) indicates that this missense variant is not expected to disrupt TSC2 protein function with a negative predictive value of 95%. Experimental studies have shown that this missense change affects TSC2 function (PMID: 22903760). In summary, the available evidence is currently insufficient to determine the role of this variant in disease. Therefore, it has been classified as a Variant of Uncertain Significance.

Color Diagnostics, LLC DBA Color Health
Classification: Uncertain significance for Tuberous sclerosis syndrome. Last evaluated: 2025-07-23. Review status: criteria provided, single submitter. Criteria: ACMG Guidelines, 2015. Collection method: clinical testing. Allele origin: germline.
Comment: This missense variant replaces arginine with cysteine at codon 462 of the TSC2 protein. Computational prediction suggests that this variant may have deleterious impact on protein structure and function. Experimental studies have reported this variant had an intermediate effect on TORC1 activity (increased T389/S6K ratio), and was associated with reduced TSC1 signal (PMID: 22903760). This variant has not been reported in individuals affected with TSC2-related disorders in the literature. This variant has not been identified in the general population by the Genome Aggregation Database (gnomAD). The available evidence is insufficient to determine the role of this variant in disease conclusively. Therefore, this variant is classified as a Variant of Uncertain Significance.

Ambry Genetics
Classification: Uncertain significance for Hereditary cancer-predisposing syndrome. Last evaluated: 2025-01-31. Review status: criteria provided, single submitter. Criteria: Ambry Variant Classification Scheme 2023. Collection method: clinical testing. Allele origin: germline.
Comment: The p.R462C variant (also known as c.1384C>T), located in coding exon 13 of the TSC2 gene, results from a C to T substitution at nucleotide position 1384. The arginine at codon 462 is replaced by cysteine, an amino acid with highly dissimilar properties. This amino acid position is highly conserved in available vertebrate species. In addition, this alteration is predicted to be deleterious by in silico analysis. Based on the available evidence, the clinical significance of this variant remains unclear.

GeneDx
Classification: Uncertain significance. Last evaluated: 2024-12-19. Review status: criteria provided, single submitter. Criteria: GeneDx Variant Classification Process June 2021. Collection method: clinical testing. Allele origin: germline. Affected: yes.
Comment: Not observed at significant frequency in large population cohorts (gnomAD); In silico analysis supports that this missense variant has a deleterious effect on protein structure/function; This variant is associated with the following publications: (PMID: 22903760)

Tuberous sclerosis database (TSC2)
No classification provided. Condition: TSC. Review status: no classification provided. Criteria: Tuberous Sclerosis Database Assertion Criteria 2015. Collection method: curation. Allele origin: germline. Affected: yes. Not counted in ClinVar's aggregate classification.

Literature cited by the submitters: PubMed 21520333 (cited by Labcorp Genetics (formerly Invitae), Labcorp); PubMed 22903760 (cited by 3 submitters).